The following is an entry in ClinVar:

NM_001243177.4(ALDOA):c.585C>T (p.Asp195=)

Genes: ALDOA (aldolase, fructose-bisphosphate A; plus strand), LOC112694756 (uncharaterized LOC112694756; plus strand). Cytogenetic location: 16p11.2.
Variant type: single nucleotide variant.
Coding change: c.585C>T on transcript NM_001243177.4 (MANE Select); coding-DNA position 585, C replaced by T.
Protein change: p.Asp195=; no amino-acid change (aspartic acid 195 retained).
Molecular consequence: synonymous variant. On other transcripts: 3 prime UTR variant (3).
Genome position (GRCh38, 1-based): chr16:30,068,861, C>T. VCF-style: chr16-30068861-C-T. GRCh37 (hg19) VCF-style: chr16-30080182-C-T.
Other names: c.*932C>T (NM_001365304.2, NM_001365305.2, NM_001365307.2); c.423C>T, p.Asp141= (NM_001127617.2, NM_184041.5, NM_184043.2).
Identifiers: ClinVar variation 516941 (VCV000516941.7), dbSNP rs150741747, ClinGen allele CA8000996.

ClinVar aggregate classification (germline): Likely benign. Review status: criteria provided, multiple submitters, no conflicts (2 of 4 stars). 3 submissions from 3 submitters: Likely benign (3). Last evaluated 2025-10-27.

Conditions:
HNSHA due to aldolase A deficiency (GSD12). Also called: GLYCOGEN STORAGE DISEASE XII; GSD XII; Glycogen storage disease due to aldolase A deficiency; RED CELL ALDOLASE DEFICIENCY. Identifiers: Orphanet 57, MedGen C0272066, MONDO:0012747, OMIM 611881.

Allele frequency attached by ClinVar (database versions not stated): gnomAD exomes 0.00002 and 0.00003; ExAC 0.00003; gnomAD 0.00005; TOPMed 0.00007; ESP Exome Variant Server 0.00008; 1000 Genomes Project 0.00040; 1000 Genomes Project 30x 0.00047.
gnomAD v4.1: 32 of 1,614,230 alleles (0.002%); highest among the groups gnomAD compares: Admixed American, 0.013%; no homozygotes.

Submissions (3):

Labcorp Genetics (formerly Invitae), Labcorp
Classification: Likely benign for HNSHA due to aldolase A deficiency. Last evaluated: 2025-10-27. Review status: criteria provided, single submitter. Criteria: Invitae Variant Classification Sherloc (09022015). Collection method: clinical testing. Allele origin: germline.

GeneDx
Classification: Likely benign. Last evaluated: 2018-02-09. Review status: criteria provided, single submitter. Criteria: GeneDx Variant Classification (06012015). Collection method: clinical testing. Allele origin: germline. Affected: yes.
Comment: This variant is considered likely benign or benign based on one or more of the following criteria: it is a conservative change, it occurs at a poorly conserved position in the protein, it is predicted to be benign by multiple in silico algorithms, and/or has population frequency not consistent with disease.

Breakthrough Genomics
Classification: Likely benign. Review status: criteria provided, single submitter. Criteria: ACMG Guidelines, 2015. Collection method: not provided. Allele origin: germline. Inheritance: Autosomal recessive inheritance. Affected: yes.